The following is an entry in ClinVar:

NM_000391.4(TPP1):c.377T>G (p.Ile126Ser)

Gene: TPP1 (tripeptidyl peptidase 1; minus strand). Cytogenetic location: 11p15.4.
Variant type: single nucleotide variant.
Coding change: c.377T>G on transcript NM_000391.4 (MANE Select); coding-DNA position 377, T replaced by G.
Protein change: p.Ile126Ser; replaces isoleucine 126 with serine.
Molecular consequence: missense variant.
Genome position (GRCh38, 1-based): chr11:6,617,629, A>C on the plus strand (T>G on the coding strand, the complement: TPP1 is on the minus strand). VCF-style: chr11-6617629-A-C. GRCh37 (hg19) VCF-style: chr11-6638860-A-C.
Other names: short protein forms I126S.
Identifiers: ClinVar variation 1515942 (VCV001515942.8), dbSNP rs2134596119, ClinGen allele CA379476128.

ClinVar aggregate classification (germline): Uncertain significance (1 of 4 stars; one submission).

Submission:

Labcorp Genetics (formerly Invitae), Labcorp
Classification: Uncertain significance. Last evaluated: 2022-10-05. Review status: criteria provided, single submitter. Criteria: Invitae Variant Classification Sherloc (09022015). Collection method: clinical testing. Allele origin: germline.
Comment: ClinVar contains an entry for this variant (Variation ID: 1515942). This sequence change replaces isoleucine, which is neutral and non-polar, with serine, which is neutral and polar, at codon 126 of the TPP1 protein (p.Ile126Ser). This variant is not present in population databases (gnomAD no frequency). This variant has not been reported in the literature in individuals affected with TPP1-related conditions. Advanced modeling of protein sequence and biophysical properties (such as structural, functional, and spatial information, amino acid conservation, physicochemical variation, residue mobility, and thermodynamic stability) has been performed at Invitae for this missense variant, however the output from this modeling did not meet the statistical confidence thresholds required to predict the impact of this variant on TPP1 protein function. Algorithms developed to predict the effect of sequence changes on RNA splicing suggest that this variant may create or strengthen a splice site. In summary, the available evidence is currently insufficient to determine the role of this variant in disease. Therefore, it has been classified as a Variant of Uncertain Significance.